The following is an entry in ClinVar:

NM_002661.5(PLCG2):c.2232T>C (p.Asn744=)

Gene: PLCG2 (phospholipase C gamma 2; plus strand). Cytogenetic location: 16q23.3.
Variant type: single nucleotide variant.
Coding change: c.2232T>C on transcript NM_002661.5 (MANE Select); coding-DNA position 2232, T replaced by C.
Protein change: p.Asn744=; no amino-acid change (asparagine 744 retained).
Molecular consequence: synonymous variant.
Genome position (GRCh38, 1-based): chr16:81,919,661, T>C. VCF-style: chr16-81919661-T-C. GRCh37 (hg19) VCF-style: chr16-81953266-T-C.
Identifiers: ClinVar variation 1879344 (VCV001879344.31), dbSNP rs201591234, ClinGen allele CA8194127.

ClinVar aggregate classification (germline): Likely benign. Review status: criteria provided, multiple submitters, no conflicts (2 of 4 stars). 2 submissions from 2 submitters: Likely benign (2). Last evaluated 2024-11-12.

Conditions:
Familial cold autoinflammatory syndrome 3 (FCAS3). Also called: FAMILIAL ATYPICAL COLD URTICARIA; ANTIBODY DEFICIENCY AND IMMUNE DYSREGULATION, PLCG2-ASSOCIATED. Identifiers: Orphanet 300359, MedGen C3280914, MONDO:0013766, OMIM 614468.

Allele frequency attached by ClinVar (database versions not stated): TOPMed 0.00001; ExAC 0.00002; gnomAD 0.00003; gnomAD exomes 0.00006.
gnomAD v4.1: 90 of 1,611,858 alleles (0.0056%); highest among the groups gnomAD compares: East Asian, 0.2%; 1 homozygote.

Submissions (2):

Labcorp Genetics (formerly Invitae), Labcorp
Classification: Likely benign for Familial cold autoinflammatory syndrome 3. Last evaluated: 2024-11-12. Review status: criteria provided, single submitter. Criteria: Invitae Variant Classification Sherloc (09022015). Collection method: clinical testing. Allele origin: germline.

CeGaT Center for Human Genetics Tuebingen
Classification: Likely benign. Last evaluated: 2022-12-01. Review status: criteria provided, single submitter. Criteria: CeGaT Center For Human Genetics Tuebingen Variant Classification Criteria Version 2. Collection method: clinical testing. Allele origin: germline. Affected: yes. Observed: 1 variant allele.
Comment: PLCG2: BP4, BP7